The following is an entry in ClinVar:

ClinVar aggregate classification (germline): Uncertain significance. Review status: criteria provided, multiple submitters, no conflicts (2 of 4 stars). 4 submissions from 4 submitters: Uncertain significance (4). Last evaluated 2025-09-24.

Conditions:
Hereditary cancer-predisposing syndrome. Also called: Tumor predisposition; Hereditary neoplastic syndrome; Hereditary Cancer Syndrome; Neoplastic Syndromes, Hereditary. Identifiers: Orphanet 140162, MedGen C0027672, MeSH D009386, MONDO:0015356.

Allele frequency attached by ClinVar (database versions not stated): TOPMed below 0.00001; gnomAD exomes 0.00002.
gnomAD v4.1: 32 of 1,614,194 alleles (0.002%); highest among the groups gnomAD compares: Non-Finnish European, 0.0026%; no homozygotes.

Submissions (4):

Labcorp Genetics (formerly Invitae), Labcorp
Classification: Uncertain significance. Last evaluated: 2025-09-24. Review status: criteria provided, single submitter. Criteria: Invitae Variant Classification Sherloc (09022015). Collection method: clinical testing. Allele origin: germline.
Comment: This sequence change replaces threonine, which is neutral and polar, with isoleucine, which is neutral and non-polar, at codon 26 of the POLE protein (p.Thr26Ile). This variant is not present in population databases (gnomAD no frequency). This variant has not been reported in the literature in individuals affected with POLE-related conditions. ClinVar contains an entry for this variant (Variation ID: 936417). Invitae Evidence Modeling of protein sequence and biophysical properties (such as structural, functional, and spatial information, amino acid conservation, physicochemical variation, residue mobility, and thermodynamic stability) indicates that this missense variant is not expected to disrupt POLE protein function with a negative predictive value of 80%. In summary, the available evidence is currently insufficient to determine the role of this variant in disease. Therefore, it has been classified as a Variant of Uncertain Significance.

Revvity Omics, Revvity
Classification: Uncertain significance. Last evaluated: 2024-12-27. Review status: criteria provided, single submitter. Criteria: ACMG Guidelines, 2015. Collection method: clinical testing. Allele origin: germline.

GeneDx
Classification: Uncertain significance. Last evaluated: 2024-08-22. Review status: criteria provided, single submitter. Criteria: GeneDx Variant Classification Process June 2021. Collection method: clinical testing. Allele origin: germline. Affected: yes.
Comment: Not observed at significant frequency in large population cohorts (gnomAD); In silico analysis indicates that this missense variant does not alter protein structure/function; Has not been previously published as pathogenic or benign to our knowledge

Ambry Genetics
Classification: Uncertain significance for Hereditary cancer-predisposing syndrome. Last evaluated: 2023-11-01. Review status: criteria provided, single submitter. Criteria: Ambry Variant Classification Scheme 2023. Collection method: clinical testing. Allele origin: germline.
Comment: The p.T26I variant (also known as c.77C>T), located in coding exon 2 of the POLE gene, results from a C to T substitution at nucleotide position 77. The threonine at codon 26 is replaced by isoleucine, an amino acid with similar properties. This amino acid position is conserved. In addition, this alteration is predicted to be tolerated by in silico analysis. Since supporting evidence is limited at this time, the clinical significance of this alteration remains unclear.

NM_006231.4(POLE):c.77C>T (p.Thr26Ile)

Gene: POLE (DNA polymerase epsilon, catalytic subunit; minus strand). Cytogenetic location: 12q24.33.
Variant type: single nucleotide variant.
Coding change: c.77C>T on transcript NM_006231.4 (MANE Select); coding-DNA position 77, C replaced by T.
Protein change: p.Thr26Ile; replaces threonine 26 with isoleucine.
Molecular consequence: missense variant.
Genome position (GRCh38, 1-based): chr12:132,681,265, G>A on the plus strand (C>T on the coding strand, the complement: POLE is on the minus strand). VCF-style: chr12-132681265-G-A. GRCh37 (hg19) VCF-style: chr12-133257851-G-A.
Other names: short protein forms T26I.
Identifiers: ClinVar variation 936417 (VCV000936417.14), dbSNP rs2043162143, ClinGen allele CA387370636.
Genomic context (GRCh38, chr12:132,681,265, plus strand): 5'-AAATCCATCTTATCCGTCCACTGACTCCGTTCCAGGCGCTTGAGTGCCGAAACTGAGGAA[G>A]TGGCGCCATCATCCCTGAGTGAAAGAAGGGAACCCCGTGCTTAATTTGTAATGCCACCTG-3'
Protein context (NP_006222.2, residues 16-36): DGEASRDDGA[Thr26Ile]SSVSALKRLE